The following is an entry in ClinVar:

ClinVar aggregate classification (germline): Uncertain significance (1 of 4 stars; one submission).

Conditions:
Hyperornithinemia-hyperammonemia-homocitrullinuria syndrome (HHHS). Also called: Ornithine translocase deficiency; HHH SYNDROME. Identifiers: Orphanet 415, MedGen C0268540, MONDO:0009393, OMIM 238970.

gnomAD v4.1: 2 of 1,612,918 alleles (0.00012%); highest among the groups gnomAD compares: South Asian, 0.0011%; no homozygotes.

Submission:

Labcorp Genetics (formerly Invitae), Labcorp
Classification: Uncertain significance for Hyperornithinemia-hyperammonemia-homocitrullinuria syndrome. Last evaluated: 2025-09-23. Review status: criteria provided, single submitter. Criteria: Invitae Variant Classification Sherloc (09022015). Collection method: clinical testing. Allele origin: germline.
Comment: This sequence change replaces tyrosine, which is neutral and polar, with histidine, which is basic and polar, at codon 289 of the SLC25A15 protein (p.Tyr289His). This variant is not present in population databases (gnomAD no frequency). This variant has not been reported in the literature in individuals affected with SLC25A15-related conditions. Invitae Evidence Modeling of protein sequence and biophysical properties (such as structural, functional, and spatial information, amino acid conservation, physicochemical variation, residue mobility, and thermodynamic stability) has been performed for this missense variant. However, the output from this modeling did not meet the statistical confidence thresholds required to predict the impact of this variant on SLC25A15 protein function. In summary, the available evidence is currently insufficient to determine the role of this variant in disease. Therefore, it has been classified as a Variant of Uncertain Significance.

NM_014252.4(SLC25A15):c.865T>C (p.Tyr289His)

Gene: SLC25A15 (solute carrier family 25 member 15; plus strand). Cytogenetic location: 13q14.11.
Variant type: single nucleotide variant.
Coding change: c.865T>C on transcript NM_014252.4 (MANE Select); coding-DNA position 865, T replaced by C.
Protein change: p.Tyr289His; replaces tyrosine 289 with histidine.
Molecular consequence: missense variant.
Genome position (GRCh38, 1-based): chr13:40,809,626, T>C. VCF-style: chr13-40809626-T-C. GRCh37 (hg19) VCF-style: chr13-41383762-T-C.
Other names: short protein forms Y289H.
Identifiers: ClinVar variation 4754885 (VCV004754885.1).